The following is an entry in ClinVar:

NM_004239.4(TRIP11):c.3173del (p.Thr1058fs)

Gene: TRIP11 (thyroid hormone receptor interactor 11; minus strand). Cytogenetic location: 14q32.12.
Variant type: Deletion.
Coding change: c.3173del on transcript NM_004239.4 (MANE Select); coding-DNA position 3173, one base deleted (C; older notation c.3173delC).
Protein change: p.Thr1058fs; shifts the reading frame from threonine 1058.
Molecular consequence: frameshift variant.
Genome position (GRCh38, 1-based): chr14:92,004,803, G deleted on the plus strand (C on the coding strand, the reverse complement: TRIP11 is on the minus strand). VCF-style (leftmost placement, unchanged base first): chr14-92004802-AG-A. GRCh37 (hg19) VCF-style: chr14-92471146-AG-A.
Other names: c.3170del, p.Thr1057fs (NM_001321851.1); short protein forms T1057fs, T1058fs.
Identifiers: ClinVar variation 2702312 (VCV002702312.3), dbSNP rs2543029888, ClinGen allele CA2697554102.
Genomic context (GRCh38, chr14:92,004,802, plus strand): 5'-AGTTGAAGAAATTCTAGCATGAAGAGCTTGTATCTCCAAATCTTTCTGCTGAATAATCTG[AG>A]TTAGTTTACCAACTTCATCTTTGGACAACTGATCAATCTGTTTAGTTAAAGATATATTCT-3'

ClinVar aggregate classification (germline): Pathogenic (1 of 4 stars; one submission).

Conditions:
Achondrogenesis, type IA (ACG1A). Identifiers: Orphanet 932, Orphanet 93299, MedGen C0265273, MONDO:0008701, OMIM 200600.

Submission:

Labcorp Genetics (formerly Invitae), Labcorp
Classification: Pathogenic for Achondrogenesis, type IA. Last evaluated: 2023-12-12. Review status: criteria provided, single submitter. Criteria: Invitae Variant Classification Sherloc (09022015). Collection method: clinical testing. Allele origin: germline.
Comment: This sequence change creates a premature translational stop signal (p.Thr1058Ilefs*48) in the TRIP11 gene. It is expected to result in an absent or disrupted protein product. Loss-of-function variants in TRIP11 are known to be pathogenic (PMID: 20089971, 23956106). This variant is not present in population databases (gnomAD no frequency). This variant has not been reported in the literature in individuals affected with TRIP11-related conditions. For these reasons, this variant has been classified as Pathogenic.

Literature cited by the submitters: PubMed 20089971; PubMed 23956106.